The following is an entry in ClinVar:

ClinVar aggregate classification (germline): Uncertain significance. Review status: criteria provided, multiple submitters, no conflicts (2 of 4 stars). 3 submissions from 3 submitters: Uncertain significance (3). Last evaluated 2025-08-05.

Conditions:
Inborn genetic diseases. Identifiers: MedGen C0950123, MeSH D030342.

Allele frequency attached by ClinVar (database versions not stated): gnomAD exomes below 0.00001.
gnomAD v4.1: 4 of 1,613,408 alleles (0.00025%); highest among the groups gnomAD compares: Non-Finnish European, 0.00025%; no homozygotes.

Submissions (3):

Ambry Genetics
Classification: Uncertain significance for Inborn genetic diseases. Last evaluated: 2025-08-05. Review status: criteria provided, single submitter. Criteria: Ambry Variant Classification Scheme 2023. Collection method: clinical testing. Allele origin: germline.

Labcorp Genetics (formerly Invitae), Labcorp
Classification: Uncertain significance. Last evaluated: 2022-07-05. Review status: criteria provided, single submitter. Criteria: Invitae Variant Classification Sherloc (09022015). Collection method: clinical testing. Allele origin: germline.
Comment: This sequence change replaces arginine, which is basic and polar, with proline, which is neutral and non-polar, at codon 791 of the ARHGEF18 protein (p.Arg791Pro). In summary, the available evidence is currently insufficient to determine the role of this variant in disease. Therefore, it has been classified as a Variant of Uncertain Significance. Algorithms developed to predict the effect of missense changes on protein structure and function (SIFT, PolyPhen-2, Align-GVGD) all suggest that this variant is likely to be tolerated. ClinVar contains an entry for this variant (Variation ID: 1477486). This variant has not been reported in the literature in individuals affected with ARHGEF18-related conditions. This variant is present in population databases (no rsID available, gnomAD 0.0009%).

Blueprint Genetics
Classification: Uncertain significance. Last evaluated: 2019-02-04. Review status: criteria provided, single submitter. Criteria: ACMG Guidelines, 2015. Collection method: clinical testing. Allele origin: germline.

NM_001367823.1(ARHGEF18):c.2936G>C (p.Arg979Pro)

Gene: ARHGEF18 (Rho/Rac guanine nucleotide exchange factor 18; plus strand). Cytogenetic location: 19p13.2.
Variant type: single nucleotide variant.
Coding change: c.2936G>C on transcript NM_001367823.1 (MANE Select); coding-DNA position 2936, G replaced by C.
Protein change: p.Arg979Pro; replaces arginine 979 with proline.
Molecular consequence: missense variant.
Genome position (GRCh38, 1-based): chr19:7,466,949, G>C. VCF-style: chr19-7466949-G-C. GRCh37 (hg19) VCF-style: chr19-7531835-G-C.
Other names: c.2372G>C (NM_001130955.1); c.2210G>C, p.Arg737Pro (NM_001130955.2); c.1898G>C, p.Arg633Pro (NM_001367824.1, NM_015318.4); short protein forms R737P, R979P, R633P.
Identifiers: ClinVar variation 1477486 (VCV001477486.8), dbSNP rs878978658, ClinGen allele CA403085717.